The following is an entry in ClinVar:

NM_001164665.2(KIAA1549):c.2836G>T (p.Val946Phe)

Gene: KIAA1549 (KIAA1549; minus strand). Cytogenetic location: 7q34.
Variant type: single nucleotide variant.
Coding change: c.2836G>T on transcript NM_001164665.2 (MANE Select); coding-DNA position 2836, G replaced by T.
Protein change: p.Val946Phe; replaces valine 946 with phenylalanine.
Molecular consequence: missense variant.
Genome position (GRCh38, 1-based): chr7:138,916,790, C>A on the plus strand (G>T on the coding strand, the complement: KIAA1549 is on the minus strand). VCF-style: chr7-138916790-C-A. GRCh37 (hg19) VCF-style: chr7-138601536-C-A.
Other names: c.2836G>T, p.Val946Phe (NM_020910.3); short protein forms V946F.
Identifiers: ClinVar variation 855247 (VCV000855247.8), dbSNP rs1050854391, ClinGen allele CA167162992.
Genomic context (GRCh38, chr7:138,916,790, plus strand): 5'-CAGGAAGCTGGGCCTTACCAGTTGTGATCAGATAGGCATCGGGGACTGTGATATCACAAA[C>A]ATATGGCGGCTTGGCAGTAGCCAGTGTTGGTGTGTCGACTGTTGCTTCGAGAGTGAAGGC-3'
Protein context (NP_001158137.1, residues 936-956): PTLATAKPPY[Val946Phe]CDITVPDAYL

ClinVar aggregate classification (germline): Uncertain significance (1 of 4 stars; one submission).

Allele frequency attached by ClinVar (database versions not stated): gnomAD 0.00001; gnomAD exomes 0.00001; TOPMed 0.00002.
gnomAD v4.1: 18 of 1,613,850 alleles (0.0011%); highest among the groups gnomAD compares: Non-Finnish European, 0.0014%; no homozygotes.

Submission:

Labcorp Genetics (formerly Invitae), Labcorp
Classification: Uncertain significance. Last evaluated: 2025-03-17. Review status: criteria provided, single submitter. Criteria: Invitae Variant Classification Sherloc (09022015). Collection method: clinical testing. Allele origin: germline.
Comment: This sequence change replaces valine, which is neutral and non-polar, with phenylalanine, which is neutral and non-polar, at codon 946 of the KIAA1549 protein (p.Val946Phe). This variant is not present in population databases (gnomAD no frequency). This variant has not been reported in the literature in individuals affected with KIAA1549-related conditions. ClinVar contains an entry for this variant (Variation ID: 855247). An algorithm developed to predict the effect of missense changes on protein structure and function (PolyPhen-2) suggests that this variant is likely to be disruptive. In summary, the available evidence is currently insufficient to determine the role of this variant in disease. Therefore, it has been classified as a Variant of Uncertain Significance.